The following is an entry in ClinVar:

NM_000179.3(MSH6):c.2102dup (p.Leu701fs)

Gene: MSH6 (mutS homolog 6; plus strand). Cytogenetic location: 2p16.3.
Variant type: Duplication.
Coding change: c.2102dup on transcript NM_000179.3 (MANE Select); coding-DNA position 2102, one base duplicated (T; older notation c.2102dupT).
Protein change: p.Leu701fs; shifts the reading frame from leucine 701.
Molecular consequence: frameshift variant.
Genome position (GRCh38, 1-based): chr2:47,800,085, T duplicated; the last of 4 consecutive T bases (chr2:47,800,082-47,800,085); duplicating any one gives the same sequence. VCF-style (leftmost placement, unchanged base first): chr2-47800081-C-CT. GRCh37 (hg19) VCF-style: chr2-48027220-C-CT.
Other names: c.1712dup, p.Leu571fs (NM_001281492.2); c.1196dup, p.Leu399fs (NM_001281493.2, NM_001281494.2); short protein forms L399fs, L571fs, L701fs.
Identifiers: ClinVar variation 1193373 (VCV001193373.10), dbSNP rs2104388702, ClinGen allele CA2499216112.

ClinVar aggregate classification (germline): Pathogenic. Review status: criteria provided, multiple submitters, no conflicts (2 of 4 stars). 4 submissions from 4 submitters: Pathogenic (4). Last evaluated 2024-01-09.

Conditions:
Lynch syndrome 5 (LYNCH5). Also called: Colorectal cancer, hereditary nonpolyposis, type 5; Hereditary non-polyposis colorectal cancer, type 5. Identifiers: Orphanet 144, MedGen C1833477, MONDO:0013710, OMIM 614350. Disease mechanism: loss of function.
Hereditary nonpolyposis colorectal neoplasms. Identifiers: MedGen C0009405, MeSH D003123.
Hereditary cancer-predisposing syndrome. Also called: Neoplastic Syndromes, Hereditary; Hereditary neoplastic syndrome; Hereditary Cancer Syndrome; Tumor predisposition. Identifiers: Orphanet 140162, MedGen C0027672, MeSH D009386, MONDO:0015356.

Submissions (4):

Myriad Genetics, Inc.
Classification: Pathogenic for Lynch syndrome 5. Last evaluated: 2024-01-09. Review status: criteria provided, single submitter. Criteria: Myriad Autosomal Dominant, Autosomal Recessive and X-Linked Classification Criteria (2023). Collection method: clinical testing. Allele origin: unknown.
Comment: This variant is considered pathogenic. This variant creates a frameshift predicted to result in premature protein truncation.

Ambry Genetics
Classification: Pathogenic for Hereditary cancer-predisposing syndrome. Last evaluated: 2022-04-04. Review status: criteria provided, single submitter. Criteria: Ambry Variant Classification Scheme 2023. Collection method: clinical testing. Allele origin: germline.
Comment: The c.2102dupT pathogenic mutation, located in coding exon 4 of the MSH6 gene, results from a duplication of T at nucleotide position 2102, causing a translational frameshift with a predicted alternate stop codon (p.L701Ffs*5). This alteration is expected to result in loss of function by premature protein truncation or nonsense-mediated mRNA decay. As such, this alteration is interpreted as a disease-causing mutation.

Labcorp Genetics (formerly Invitae), Labcorp
Classification: Pathogenic for Hereditary nonpolyposis colorectal neoplasms. Last evaluated: 2021-01-15. Review status: criteria provided, single submitter. Criteria: Invitae Variant Classification Sherloc (09022015). Collection method: clinical testing. Allele origin: germline.
Comment: This sequence change creates a premature translational stop signal (p.Leu701Phefs*5) in the MSH6 gene. It is expected to result in an absent or disrupted protein product. Loss-of-function variants in MSH6 are known to be pathogenic (PMID: 18269114, 24362816). This variant is not present in population databases (ExAC no frequency). For these reasons, this variant has been classified as Pathogenic. This variant has not been reported in the literature in individuals with MSH6-related conditions.

GeneDx
Classification: Pathogenic. Last evaluated: 2019-05-07. Review status: criteria provided, single submitter. Criteria: GeneDx Variant Classification Process June 2021. Collection method: clinical testing. Allele origin: germline. Affected: yes.
Comment: Frameshift variant predicted to result in protein truncation or nonsense mediated decay in a gene for which loss-of-function is a known mechanism of disease; Not observed in large population cohorts (Lek et al., 2016); Has not been previously published as pathogenic or benign to our knowledge

Literature cited by the submitters: PubMed 18269114 (cited by Labcorp Genetics (formerly Invitae), Labcorp); PubMed 24362816 (cited by Labcorp Genetics (formerly Invitae), Labcorp).